The following is an entry in ClinVar:

NM_024642.5(GALNT12):c.575C>G (p.Ser192Trp)

Gene: GALNT12 (polypeptide N-acetylgalactosaminyltransferase 12; plus strand). Cytogenetic location: 9q22.33.
Variant type: single nucleotide variant.
Coding change: c.575C>G on transcript NM_024642.5 (MANE Select); coding-DNA position 575, C replaced by G.
Protein change: p.Ser192Trp; replaces serine 192 with tryptophan.
Molecular consequence: missense variant.
Genome position (GRCh38, 1-based): chr9:98,826,785, C>G. VCF-style: chr9-98826785-C-G. GRCh37 (hg19) VCF-style: chr9-101589067-C-G.
Other names: short protein forms S192W.
Identifiers: ClinVar variation 1749467 (VCV001749467.3), dbSNP rs754554283, ClinGen allele CA374217361.

ClinVar aggregate classification (germline): Uncertain significance (1 of 4 stars; one submission).

gnomAD v4.1: 1 of 1,611,800 alleles (0.000062%); highest among the groups gnomAD compares: South Asian, 0.0011%; no homozygotes.

Submission:

Ambry Genetics
Classification: Uncertain significance. Last evaluated: 2024-11-12. Review status: criteria provided, single submitter. Criteria: Ambry Variant Classification Scheme 2023. Collection method: clinical testing. Allele origin: germline.
Comment: The p.S192W variant (also known as c.575C>G), located in coding exon 3 of the GALNT12 gene, results from a C to G substitution at nucleotide position 575. The serine at codon 192 is replaced by tryptophan, an amino acid with highly dissimilar properties. This amino acid position is conserved. In addition, the in silico prediction for this alteration is inconclusive. Since supporting evidence is limited at this time, the clinical significance of this alteration remains unclear.